The following is an entry in ClinVar:

NM_004320.6(ATP2A1):c.547G>A (p.Glu183Lys)

Gene: ATP2A1 (ATPase sarcoplasmic/endoplasmic reticulum Ca2+ transporting 1; plus strand). Cytogenetic location: 16p11.2.
Variant type: single nucleotide variant.
Coding change: c.547G>A on transcript NM_004320.6 (MANE Select); coding-DNA position 547, G replaced by A.
Protein change: p.Glu183Lys; replaces glutamic acid 183 with lysine.
Molecular consequence: missense variant.
Genome position (GRCh38, 1-based): chr16:28,887,191, G>A. VCF-style: chr16-28887191-G-A. GRCh37 (hg19) VCF-style: chr16-28898512-G-A.
Other names: c.172G>A, p.Glu58Lys (NM_001286075.2); c.547G>A, p.Glu183Lys (NM_173201.5); short protein forms E58K, E183K.
Identifiers: ClinVar variation 2176957 (VCV002176957.1), dbSNP rs768242653, ClinGen allele CA7986692.

ClinVar aggregate classification (germline): Uncertain significance (1 of 4 stars; one submission).

Conditions:
Brody myopathy. Also called: BRODY DISEASE. Identifiers: Orphanet 53347, MedGen C1832918, MONDO:0010977, OMIM 601003.

Allele frequency attached by ClinVar (database versions not stated): gnomAD exomes below 0.00001; TOPMed below 0.00001; ExAC 0.00001; gnomAD 0.00001.
gnomAD v4.1: 4 of 1,613,666 alleles (0.00025%); highest among the groups gnomAD compares: South Asian, 0.0011%; no homozygotes.

Submission:

Labcorp Genetics (formerly Invitae), Labcorp
Classification: Uncertain significance for Brody myopathy. Last evaluated: 2022-07-08. Review status: criteria provided, single submitter. Criteria: Invitae Variant Classification Sherloc (09022015). Collection method: clinical testing. Allele origin: germline.
Comment: This sequence change replaces glutamic acid, which is acidic and polar, with lysine, which is basic and polar, at codon 183 of the ATP2A1 protein (p.Glu183Lys). This variant is present in population databases (rs768242653, gnomAD 0.0009%). This missense change has been observed in individual(s) with Brody myopathy (PMID: 32040565). Algorithms developed to predict the effect of missense changes on protein structure and function are either unavailable or do not agree on the potential impact of this missense change (SIFT: "Deleterious"; PolyPhen-2: "Probably Damaging"; Align-GVGD: "Class C0"). In summary, the available evidence is currently insufficient to determine the role of this variant in disease. Therefore, it has been classified as a Variant of Uncertain Significance.

Literature cited by the submitters: PubMed 32040565.